The following is an entry in ClinVar:

ClinVar aggregate classification (germline): Likely benign. Review status: criteria provided, multiple submitters, no conflicts (2 of 4 stars). 3 submissions from 3 submitters: Likely benign (3). Last evaluated 2024-10-29.

Conditions:
Hereditary cancer-predisposing syndrome. Also called: Tumor predisposition; Neoplastic Syndromes, Hereditary; Hereditary Cancer Syndrome; Hereditary neoplastic syndrome. Identifiers: Orphanet 140162, MedGen C0027672, MeSH D009386, MONDO:0015356.
Familial cancer of breast. Also called: BREAST CANCER, FAMILIAL; hereditary breast carcinoma; Hereditary breast cancer. Identifiers: Orphanet 227535, MedGen C0346153, MONDO:0016419, OMIM 114480. Disease mechanism: loss of function.
Ataxia-telangiectasia syndrome (AT). Also called: Ataxia-telangiectasia; Ataxia-telangiectasia, complementation group D; AT, COMPLEMENTATION GROUP C; LOUIS-BAR SYNDROME; Cerebello-oculocutaneous telangiectasia; Immunodeficiency with ataxia telangiectasia. Identifiers: Orphanet 100, MedGen C0004135, MONDO:0008840, OMIM 208900.

Allele frequency attached by ClinVar (database versions not stated): TOPMed 0.00001.

Submissions (3):

Labcorp Genetics (formerly Invitae), Labcorp
Classification: Likely benign for Ataxia-telangiectasia syndrome. Last evaluated: 2024-10-29. Review status: criteria provided, single submitter. Criteria: Invitae Variant Classification Sherloc (09022015). Collection method: clinical testing. Allele origin: germline.

Myriad Genetics, Inc.
Classification: Likely benign for Familial cancer of breast. Last evaluated: 2024-05-07. Review status: criteria provided, single submitter. Criteria: Myriad Autosomal Dominant, Autosomal Recessive and X-Linked Classification Criteria (2023). Collection method: clinical testing. Allele origin: unknown.
Comment: This variant is considered likely benign. This variant is intronic and is not expected to impact mRNA splicing.

Color Diagnostics, LLC DBA Color Health
Classification: Likely benign for Hereditary cancer-predisposing syndrome. Last evaluated: 2016-12-08. Review status: criteria provided, single submitter. Criteria: ACMG Guidelines, 2015. Collection method: clinical testing. Allele origin: germline.

NM_000051.4(ATM):c.2125-17T>C

Gene: ATM (ATM serine/threonine kinase; plus strand). Cytogenetic location: 11q22.3.
Variant type: single nucleotide variant.
Coding change: c.2125-17T>C on transcript NM_000051.4 (MANE Select); 17 bases into the intron before coding-DNA position 2125, T replaced by C.
Molecular consequence: intron variant.
Genome position (GRCh38, 1-based): chr11:108,256,198, T>C. VCF-style: chr11-108256198-T-C. GRCh37 (hg19) VCF-style: chr11-108126925-T-C.
Other names: c.2125-17T>C (NM_001351834.2).
Identifiers: ClinVar variation 490455 (VCV000490455.13), dbSNP rs1373576656, ClinGen allele CA658683732.